The following is an entry in ClinVar:

NM_005876.5(SPEG):c.3301+5G>T

Gene: SPEG (striated muscle enriched protein kinase; plus strand). Cytogenetic location: 2q35.
Variant type: single nucleotide variant.
Coding change: c.3301+5G>T on transcript NM_005876.5 (MANE Select); 5 bases into the intron after coding-DNA position 3301, G replaced by T.
Molecular consequence: intron variant.
Genome position (GRCh38, 1-based): chr2:219,468,741, G>T. VCF-style: chr2-219468741-G-T. GRCh37 (hg19) VCF-style: chr2-220333463-G-T.
Identifiers: ClinVar variation 1972387 (VCV001972387.5), dbSNP rs1012833572, ClinGen allele CA2577306405.

ClinVar aggregate classification (germline): Uncertain significance (1 of 4 stars; one submission).

Submission:

Labcorp Genetics (formerly Invitae), Labcorp
Classification: Uncertain significance. Last evaluated: 2022-03-24. Review status: criteria provided, single submitter. Criteria: Invitae Variant Classification Sherloc (09022015). Collection method: clinical testing. Allele origin: germline.
Comment: In summary, the available evidence is currently insufficient to determine the role of this variant in disease. Therefore, it has been classified as a Variant of Uncertain Significance. Variants that disrupt the consensus splice site are a relatively common cause of aberrant splicing (PMID: 17576681, 9536098). Algorithms developed to predict the effect of sequence changes on RNA splicing suggest that this variant may create or strengthen a splice site. This variant has not been reported in the literature in individuals affected with SPEG-related conditions. This variant is not present in population databases (gnomAD no frequency). This sequence change falls in intron 11 of the SPEG gene. It does not directly change the encoded amino acid sequence of the SPEG protein. It affects a nucleotide within the consensus splice site.

Literature cited by the submitters: PubMed 17576681; PubMed 9536098.